The following is an entry in ClinVar:

ClinVar aggregate classification (germline): Uncertain significance (1 of 4 stars; one submission).

Submission:

GeneDx
Classification: Uncertain significance. Last evaluated: 2025-03-17. Review status: criteria provided, single submitter. Criteria: GeneDx Variant Classification Process June 2021. Collection method: clinical testing. Allele origin: germline. Affected: yes.
Comment: Not observed at significant frequency in large population cohorts (gnomAD); In silico analysis supports that this missense variant has a deleterious effect on protein structure/function; Has not been previously published as pathogenic or benign to our knowledge

NM_080552.3(SLC32A1):c.605G>T (p.Gly202Val)

Gene: SLC32A1 (solute carrier family 32 member 1; plus strand). Cytogenetic location: 20q11.23.
Variant type: single nucleotide variant.
Coding change: c.605G>T on transcript NM_080552.3 (MANE Select); coding-DNA position 605, G replaced by T.
Protein change: p.Gly202Val; replaces glycine 202 with valine.
Molecular consequence: missense variant.
Genome position (GRCh38, 1-based): chr20:38,727,666, G>T. VCF-style: chr20-38727666-G-T. GRCh37 (hg19) VCF-style: chr20-37356309-G-T.
Other names: short protein forms G202V.
Identifiers: ClinVar variation 4086289 (VCV004086289.1).